The following is an entry in ClinVar:

ClinVar aggregate classification (germline): Uncertain significance (1 of 4 stars; one submission).

Conditions:
Rubinstein-Taybi syndrome (RSTS). Identifiers: Orphanet 783, MedGen C0035934, MONDO:0019188.

Submission:

Labcorp Genetics (formerly Invitae), Labcorp
Classification: Uncertain significance for Rubinstein-Taybi syndrome. Last evaluated: 2025-01-27. Review status: criteria provided, single submitter. Criteria: Invitae Variant Classification Sherloc (09022015). Collection method: clinical testing. Allele origin: germline.
Comment: This sequence change replaces aspartic acid, which is acidic and polar, with tyrosine, which is neutral and polar, at codon 1673 of the CREBBP protein (p.Asp1673Tyr). This variant is not present in population databases (gnomAD no frequency). This variant has not been reported in the literature in individuals affected with CREBBP-related conditions. ClinVar contains an entry for this variant (Variation ID: 2761367). Invitae Evidence Modeling of protein sequence and biophysical properties (such as structural, functional, and spatial information, amino acid conservation, physicochemical variation, residue mobility, and thermodynamic stability) indicates that this missense variant is expected to disrupt CREBBP protein function with a positive predictive value of 80%. In summary, the available evidence is currently insufficient to determine the role of this variant in disease. Therefore, it has been classified as a Variant of Uncertain Significance.

NM_004380.3(CREBBP):c.5017G>T (p.Asp1673Tyr)

Gene: CREBBP (CREB binding lysine acetyltransferase; minus strand). Cytogenetic location: 16p13.3.
Variant type: single nucleotide variant.
Coding change: c.5017G>T on transcript NM_004380.3 (MANE Select); coding-DNA position 5017, G replaced by T.
Protein change: p.Asp1673Tyr; replaces aspartic acid 1673 with tyrosine.
Molecular consequence: missense variant.
Genome position (GRCh38, 1-based): chr16:3,731,347, C>A on the plus strand (G>T on the coding strand, the complement: CREBBP is on the minus strand). VCF-style: chr16-3731347-C-A. GRCh37 (hg19) VCF-style: chr16-3781348-C-A.
Other names: c.4903G>T, p.Asp1635Tyr (NM_001079846.1); short protein forms D1673Y, D1635Y.
Identifiers: ClinVar variation 2761367 (VCV002761367.3), dbSNP rs2151316864, ClinGen allele CA394558680.